The following is an entry in ClinVar:

ClinVar aggregate classification (germline): Conflicting classifications of pathogenicity. Review status: criteria provided, conflicting classifications (1 of 4 stars). 6 submissions from 6 submitters: Uncertain significance (5); Likely benign (1). Last evaluated 2025-02-26.

Conditions:
Hereditary cancer. Identifiers: MedGen C1333600.
Hereditary cancer-predisposing syndrome. Also called: Tumor predisposition; Neoplastic Syndromes, Hereditary; Hereditary Cancer Syndrome; Hereditary neoplastic syndrome. Identifiers: Orphanet 140162, MedGen C0027672, MeSH D009386, MONDO:0015356.
Intellectual disability, autosomal dominant 16 (CSS4). Also called: COFFIN-SIRIS SYNDROME 4. Identifiers: Orphanet 1465, MedGen C3553249, MONDO:0013821, OMIM 614609.
Rhabdoid tumor predisposition syndrome 2 (RTPS2). Identifiers: Orphanet 231108, Orphanet 69077, MedGen C2750074, MONDO:0013224, OMIM 613325.

Allele frequency attached by ClinVar (database versions not stated): gnomAD exomes below 0.00001 and 0.00001; ExAC 0.00001; gnomAD 0.00001; TOPMed 0.00001.
gnomAD v4.1: 15 of 1,613,800 alleles (0.00093%); highest among the groups gnomAD compares: East Asian, 0.0022%; no homozygotes.

Submissions (6):

Mendelics
Classification: Uncertain significance for Hereditary cancer. Last evaluated: 2025-02-26. Review status: criteria provided, single submitter. Criteria: ACMG Guidelines, 2015. Collection method: clinical testing. Allele origin: unknown.
Comment: The available evidence is insufficient to conclusively determine the role of this variant. Therefore, it is classified as a Variant of Uncertain Significance.

Labcorp Genetics (formerly Invitae), Labcorp
Classification: Uncertain significance for Rhabdoid tumor predisposition syndrome 2. Last evaluated: 2024-12-26. Review status: criteria provided, single submitter. Criteria: Invitae Variant Classification Sherloc (09022015). Collection method: clinical testing. Allele origin: germline.
Comment: This sequence change replaces proline, which is neutral and non-polar, with leucine, which is neutral and non-polar, at codon 109 of the SMARCA4 protein (p.Pro109Leu). This variant is present in population databases (rs763471007, gnomAD 0.003%). This variant has not been reported in the literature in individuals affected with SMARCA4-related conditions. ClinVar contains an entry for this variant (Variation ID: 220949). Invitae Evidence Modeling of protein sequence and biophysical properties (such as structural, functional, and spatial information, amino acid conservation, physicochemical variation, residue mobility, and thermodynamic stability) has been performed for this missense variant. However, the output from this modeling did not meet the statistical confidence thresholds required to predict the impact of this variant on SMARCA4 protein function. In summary, the available evidence is currently insufficient to determine the role of this variant in disease. Therefore, it has been classified as a Variant of Uncertain Significance.

Blueprint Genetics
Classification: Uncertain significance. Last evaluated: 2022-11-04. Review status: criteria provided, single submitter. Criteria: ACMG Guidelines, 2015. Collection method: clinical testing. Allele origin: germline.

Fulgent Genetics
Classification: Uncertain significance for Rhabdoid tumor predisposition syndrome 2; Intellectual disability, autosomal dominant 16. Last evaluated: 2022-04-04. Review status: criteria provided, single submitter. Criteria: ACMG Guidelines, 2015. Collection method: clinical testing. Allele origin: unknown.

Ambry Genetics
Classification: Likely benign for Hereditary cancer-predisposing syndrome. Last evaluated: 2021-12-30. Review status: criteria provided, single submitter. Criteria: Ambry Variant Classification Scheme 2023. Collection method: clinical testing. Allele origin: germline.

Genome-Nilou Lab
Classification: Uncertain significance for Intellectual disability, autosomal dominant 16. Last evaluated: 2021-07-15. Review status: criteria provided, single submitter. Criteria: ACMG Guidelines, 2015. Collection method: clinical testing. Allele origin: germline. Affected: no.

Literature cited by the submitters: PubMed 31785789 (cited by Ambry Genetics).

NM_003072.5(SMARCA4):c.326C>T (p.Pro109Leu)

Gene: SMARCA4 (SWI/SNF related BAF chromatin remodeling complex subunit ATPase 4; plus strand). Cytogenetic location: 19p13.2.
Variant type: single nucleotide variant.
Coding change: c.326C>T on transcript NM_003072.5 (MANE Select); coding-DNA position 326, C replaced by T.
Protein change: p.Pro109Leu; replaces proline 109 with leucine.
Molecular consequence: missense variant. On other transcripts: non-coding transcript variant (1).
Genome position (GRCh38, 1-based): chr19:10,985,376, C>T. VCF-style: chr19-10985376-C-T. GRCh37 (hg19) VCF-style: chr19-11096052-C-T.
Other names: c.326C>T, p.Pro109Leu (NM_001128844.3, NM_001128845.2, NM_001128846.2 and 5 more transcripts); c.326C>T (NM_001128849.2); short protein forms P109L.
Identifiers: ClinVar variation 220949 (VCV000220949.17), dbSNP rs763471007, ClinGen allele CA348304.